The following is an entry in ClinVar:

ClinVar aggregate classification (germline): Uncertain significance (1 of 4 stars; one submission).

Conditions:
Neurodevelopmental disorder with hypotonia, seizures, and absent language (NDHSAL). Identifiers: MedGen C4310643, MONDO:0014995, OMIM 617268.

Submission:

Baylor Genetics
Classification: Uncertain significance for Neurodevelopmental disorder with hypotonia, seizures, and absent language. Last evaluated: 2018-05-07. Review status: criteria provided, single submitter. Criteria: ACMG Guidelines, 2015. Collection method: clinical testing. Allele origin: unknown. Affected: yes.
Comment: This variant was determined to be of uncertain significance according to ACMG Guidelines, 2015 [PMID:25741868].

NM_001348768.2(HECW2):c.1892G>A (p.Arg631Lys)

Gene: HECW2 (HECT, C2 and WW domain containing E3 ubiquitin protein ligase 2; minus strand). Cytogenetic location: 2q32.3.
Variant type: single nucleotide variant.
Coding change: c.1892G>A on transcript NM_001348768.2 (MANE Select); coding-DNA position 1892, G replaced by A.
Protein change: p.Arg631Lys; replaces arginine 631 with lysine.
Molecular consequence: missense variant.
Genome position (GRCh38, 1-based): chr2:196,318,998, C>T on the plus strand (G>A on the coding strand, the complement: HECW2 is on the minus strand). VCF-style: chr2-196318998-C-T. GRCh37 (hg19) VCF-style: chr2-197183722-C-T.
Other names: c.824G>A, p.Arg275Lys (NM_001304840.3); c.1892G>A, p.Arg631Lys (NM_020760.4); short protein forms R275K, R631K.
Identifiers: ClinVar variation 1032099 (VCV001032099.1), dbSNP rs1691823002, ClinGen allele CA349965059.